The following is an entry in ClinVar:

ClinVar aggregate classification (germline): Uncertain significance (1 of 4 stars; one submission).

Conditions:
Ataxia-telangiectasia syndrome (AT). Also called: LOUIS-BAR SYNDROME; Cerebello-oculocutaneous telangiectasia; Immunodeficiency with ataxia telangiectasia; ATAXIA-TELANGIECTASIA, COMPLEMENTATION GROUP A; ATAXIA-TELANGIECTASIA, FRESNO VARIANT; Ataxia-telangiectasia. Identifiers: Orphanet 100, MedGen C0004135, MONDO:0008840, OMIM 208900.

Submission:

Kasturba Medical College, Manipal, Kasturba Medical College, Manipal, Manipal Academy of Higher Education, Manipal, India
Classification: Uncertain significance for Ataxia-telangiectasia syndrome. Review status: criteria provided, single submitter. Criteria: ACMG Guidelines, 2015. Collection method: research. Allele origin: paternal. Inheritance: Autosomal recessive inheritance. Affected: yes. Observed: 1 heterozygote.
Comment: This variant was absent in gnomAD population database and in our in-house data of 3464 exomes.

NM_000051.4(ATM):c.8563A>C (p.Ser2855Arg)

Genes: ATM (ATM serine/threonine kinase; plus strand), C11orf65 (chromosome 11 open reading frame 65; minus strand). Cytogenetic location: 11q22.3.
Variant type: single nucleotide variant.
Coding change: c.8563A>C on transcript NM_000051.4 (MANE Select); coding-DNA position 8563, A replaced by C.
Protein change: p.Ser2855Arg; replaces serine 2855 with arginine.
Molecular consequence: missense variant. On other transcripts: intron variant (2).
Genome position (GRCh38, 1-based): chr11:108,345,887, A>C. VCF-style: chr11-108345887-A-C. GRCh37 (hg19) VCF-style: chr11-108216614-A-C.
Other names: c.8563A>C, p.Ser2855Arg (NM_001351834.2); c.641-36816T>G (NM_001330368.2); c.695-10595T>G (NM_001351110.2); short protein forms S2855R.
Identifiers: ClinVar variation 3600306 (VCV003600306.2).
Genomic context (GRCh38, chr11:108,345,887, plus strand): 5'-TGCATGGAAAAATTCTTGGATCCAGCTATTTGGTTTGAGAAGCGATTGGCTTATACGCGC[A>C]GTGTAGCTACTTCTTCTATTGGTAATCTTCTTGTACATATAGTAGATTGAGCACTTTGTT-3'
Protein context (NP_000042.3, residues 2845-2865): WFEKRLAYTR[Ser2855Arg]VATSSIVGYI